The following is an entry in ClinVar:

NM_004055.5(CAPN5):c.247T>C (p.Phe83Leu)

Gene: CAPN5 (calpain 5; plus strand). Cytogenetic location: 11q13.5.
Variant type: single nucleotide variant.
Coding change: c.247T>C on transcript NM_004055.5 (MANE Select); coding-DNA position 247, T replaced by C.
Protein change: p.Phe83Leu; replaces phenylalanine 83 with leucine.
Molecular consequence: missense variant.
Genome position (GRCh38, 1-based): chr11:77,093,763, T>C. VCF-style: chr11-77093763-T-C. GRCh37 (hg19) VCF-style: chr11-76804809-T-C.
Other names: c.247T>C (NM_004055.4); short protein forms F83L.
Identifiers: ClinVar variation 1064105 (VCV001064105.11), dbSNP rs148784108, ClinGen allele CA6196208.

ClinVar aggregate classification (germline): Conflicting classifications of pathogenicity. Review status: criteria provided, conflicting classifications (1 of 4 stars). 4 submissions from 4 submitters: Uncertain significance (2); Benign (1). 1 of the submissions does not count toward it. Last evaluated 2025-12-15.

Conditions:
CAPN5-related disorder. Also called: CAPN5-related condition.
Inborn genetic diseases. Identifiers: MedGen C0950123, MeSH D030342.

Allele frequency attached by ClinVar (database versions not stated): gnomAD exomes 0.00001 and 0.00004; ExAC 0.00007; gnomAD 0.00009 and 0.00011; TOPMed 0.00015; ESP Exome Variant Server 0.00039.
gnomAD v4.1: 28 of 1,612,222 alleles (0.0017%); highest among the groups gnomAD compares: African/African-American, 0.036%; no homozygotes.

Submissions (4):

Labcorp Genetics (formerly Invitae), Labcorp
Classification: Uncertain significance. Last evaluated: 2025-12-15. Review status: criteria provided, single submitter. Criteria: Invitae Variant Classification Sherloc (09022015). Collection method: clinical testing. Allele origin: germline.
Comment: This sequence change replaces phenylalanine, which is neutral and non-polar, with leucine, which is neutral and non-polar, at codon 83 of the CAPN5 protein (p.Phe83Leu). This variant is present in population databases (rs148784108, gnomAD 0.05%), and has an allele count higher than expected for a pathogenic variant. This variant has not been reported in the literature in individuals affected with CAPN5-related conditions. ClinVar contains an entry for this variant (Variation ID: 1064105). Invitae Evidence Modeling of protein sequence and biophysical properties (such as structural, functional, and spatial information, amino acid conservation, physicochemical variation, residue mobility, and thermodynamic stability) indicates that this missense variant is not expected to disrupt CAPN5 protein function with a negative predictive value of 80%. In summary, the available evidence is currently insufficient to determine the role of this variant in disease. Therefore, it has been classified as a Variant of Uncertain Significance.

Ambry Genetics
Classification: Uncertain significance for Inborn genetic diseases. Last evaluated: 2025-05-25. Review status: criteria provided, single submitter. Criteria: Ambry Variant Classification Scheme 2023. Collection method: clinical testing. Allele origin: germline.

Blueprint Genetics
Classification: Benign. Last evaluated: 2022-11-18. Review status: criteria provided, single submitter. Criteria: ACMG Guidelines, 2015. Collection method: clinical testing. Allele origin: germline.

PreventionGenetics, part of Exact Sciences
Classification: Likely benign for CAPN5-related condition. Last evaluated: 2022-07-11. Review status: no assertion criteria provided. Collection method: clinical testing. Allele origin: germline. Not counted in ClinVar's aggregate classification.
Comment: This variant is classified as likely benign based on ACMG/AMP sequence variant interpretation guidelines (Richards et al. 2015 PMID: 25741868, with internal and published modifications).